The following is an entry in ClinVar:

NM_000368.5(TSC1):c.1924T>C (p.Ser642Pro)

Gene: TSC1 (TSC complex subunit 1; minus strand). Cytogenetic location: 9q34.13.
Variant type: single nucleotide variant.
Coding change: c.1924T>C on transcript NM_000368.5 (MANE Select); coding-DNA position 1924, T replaced by C.
Protein change: p.Ser642Pro; replaces serine 642 with proline.
Molecular consequence: missense variant. On other transcripts: non-coding transcript variant (5).
Genome position (GRCh38, 1-based): chr9:132,905,654, A>G on the plus strand (T>C on the coding strand, the complement: TSC1 is on the minus strand). VCF-style: chr9-132905654-A-G. GRCh37 (hg19) VCF-style: chr9-135781041-A-G.
Other names: c.1768T>C, p.Ser590Pro (NM_001406611.1, NM_001406612.1, NM_001406613.1); c.1561T>C, p.Ser521Pro (NM_001406614.1, NM_001406615.1, NM_001406616.1 and 5 more transcripts); c.1558T>C, p.Ser520Pro (NM_001406620.1, NM_001406621.1, NM_001406622.1 and 2 more transcripts); c.1921T>C, p.Ser641Pro (NM_001162426.2, NM_001406597.1, NM_001406598.1 and 6 more transcripts); c.1771T>C, p.Ser591Pro (NM_001162427.2, NM_001406610.1); c.1924T>C, p.Ser642Pro (NM_001406592.1, NM_001406593.1, NM_001406594.1 and 7 more transcripts); c.973T>C, p.Ser325Pro (NM_001406626.1); c.970T>C, p.Ser324Pro (NM_001406627.1, NM_001406628.1); and 1 more; short protein forms S324P, S325P, S521P, S291P, S520P, S641P, S642P, S590P.
Identifiers: ClinVar variation 4709649 (VCV004709649.1).

ClinVar aggregate classification (germline): Uncertain significance (1 of 4 stars; one submission).

Conditions:
Tuberous sclerosis 1 (TSC1). Identifiers: Orphanet 805, MedGen C1854465, MONDO:0008612, OMIM 191100.

Submission:

Labcorp Genetics (formerly Invitae), Labcorp
Classification: Uncertain significance for Tuberous sclerosis 1. Last evaluated: 2025-03-15. Review status: criteria provided, single submitter. Criteria: Invitae Variant Classification Sherloc (09022015). Collection method: clinical testing. Allele origin: germline.
Comment: This sequence change replaces serine, which is neutral and polar, with proline, which is neutral and non-polar, at codon 642 of the TSC1 protein (p.Ser642Pro). This variant is not present in population databases (gnomAD no frequency). This variant has not been reported in the literature in individuals affected with TSC1-related conditions. Invitae Evidence Modeling of protein sequence and biophysical properties (such as structural, functional, and spatial information, amino acid conservation, physicochemical variation, residue mobility, and thermodynamic stability) indicates that this missense variant is not expected to disrupt TSC1 protein function with a negative predictive value of 95%. In summary, the available evidence is currently insufficient to determine the role of this variant in disease. Therefore, it has been classified as a Variant of Uncertain Significance.